The following is an entry in ClinVar:

ClinVar aggregate classification (germline): Uncertain significance (1 of 4 stars; one submission).

Conditions:
Hereditary cancer-predisposing syndrome. Also called: Neoplastic Syndromes, Hereditary; Tumor predisposition; Hereditary neoplastic syndrome; Hereditary Cancer Syndrome. Identifiers: Orphanet 140162, MedGen C0027672, MeSH D009386, MONDO:0015356.

Submission:

Ambry Genetics
Classification: Uncertain significance for Hereditary cancer-predisposing syndrome. Last evaluated: 2023-11-23. Review status: criteria provided, single submitter. Criteria: Ambry Variant Classification Scheme 2023. Collection method: clinical testing. Allele origin: germline.
Comment: The p.K701R variant (also known as c.2102A>G), located in coding exon 12 of the DICER1 gene, results from an A to G substitution at nucleotide position 2102. The lysine at codon 701 is replaced by arginine, an amino acid with highly similar properties. This amino acid position is conserved. In addition, this alteration is predicted to be tolerated by in silico analysis. Since supporting evidence is limited at this time, the clinical significance of this alteration remains unclear.

NM_177438.3(DICER1):c.2102A>G (p.Lys701Arg)

Gene: DICER1 (dicer 1, ribonuclease III; minus strand). Cytogenetic location: 14q32.13.
Variant type: single nucleotide variant.
Coding change: c.2102A>G on transcript NM_177438.3 (MANE Select); coding-DNA position 2102, A replaced by G.
Protein change: p.Lys701Arg; replaces lysine 701 with arginine.
Molecular consequence: missense variant. On other transcripts: non-coding transcript variant (6).
Genome position (GRCh38, 1-based): chr14:95,112,186, T>C on the plus strand (A>G on the coding strand, the complement: DICER1 is on the minus strand). VCF-style: chr14-95112186-T-C. GRCh37 (hg19) VCF-style: chr14-95578523-T-C.
Other names: c.2102A>G, p.Lys701Arg (NM_001195573.1, NM_001271282.3, NM_001291628.2 and 13 more transcripts); c.1820A>G, p.Lys607Arg (NM_001395686.1); c.1697A>G, p.Lys566Arg (NM_001395687.1, NM_001395688.1, NM_001395689.1 and 3 more transcripts); c.1535A>G, p.Lys512Arg (NM_001395691.1); c.419A>G, p.Lys140Arg (NM_001395697.1); short protein forms K140R, K512R, K566R, K607R, K701R.
Identifiers: ClinVar variation 3229327 (VCV003229327.1), dbSNP rs2542930445, ClinGen allele CA390883017.
Genomic context (GRCh38, chr14:95,112,186, plus strand): 5'-GGTTGCAATTTATTTTCATTCGTATATGCTTTTCAAACATCCTTACCAATTTTGTGCAGT[T>C]TCTCACAGCAAATGAGAGCTACAACTCTTTCAGCCAATCGTACACAGCTCATTGGTGGAC-3'
Protein context (NP_803187.1, residues 691-711): ERVVALICCE[Lys701Arg]LHKIGELDDH